The following is an entry in ClinVar:

NM_003660.4(PPFIA3):c.770C>A (p.Ala257Glu)

Gene: PPFIA3 (PPFI scaffold protein A3; plus strand). Cytogenetic location: 19q13.33.
Variant type: single nucleotide variant.
Coding change: c.770C>A on transcript NM_003660.4 (MANE Select); coding-DNA position 770, C replaced by A.
Protein change: p.Ala257Glu; replaces alanine 257 with glutamic acid.
Molecular consequence: missense variant. On other transcripts: non-coding transcript variant (1).
Genome position (GRCh38, 1-based): chr19:49,130,490, C>A. VCF-style: chr19-49130490-C-A. GRCh37 (hg19) VCF-style: chr19-49633747-C-A.
Other names: short protein forms A257E.
Identifiers: ClinVar variation 4975884 (VCV004975884.1).

ClinVar aggregate classification (germline): Uncertain significance (1 of 4 stars; one submission).

Submission:

GeneDx
Classification: Uncertain significance. Last evaluated: 2026-01-29. Review status: criteria provided, single submitter. Criteria: GeneDx Variant Classification Process June 2021. Collection method: clinical testing. Allele origin: germline.
Comment: Not observed at significant frequency in large population cohorts (gnomAD); In silico analysis supports that this missense variant has a deleterious effect on protein structure/function; Has not been previously published as pathogenic or benign to our knowledge